The following is an entry in ClinVar:

NM_002439.5(MSH3):c.1603A>C (p.Met535Leu)

Gene: MSH3 (mutS homolog 3; plus strand). Cytogenetic location: 5q14.1.
Variant type: single nucleotide variant.
Coding change: c.1603A>C on transcript NM_002439.5 (MANE Select); coding-DNA position 1603, A replaced by C.
Protein change: p.Met535Leu; replaces methionine 535 with leucine.
Molecular consequence: missense variant.
Genome position (GRCh38, 1-based): chr5:80,741,498, A>C. VCF-style: chr5-80741498-A-C. GRCh37 (hg19) VCF-style: chr5-80037317-A-C.
Other names: short protein forms M535L.
Identifiers: ClinVar variation 3874967 (VCV003874967.2).

ClinVar aggregate classification (germline): Uncertain significance. Review status: criteria provided, multiple submitters, no conflicts (2 of 4 stars). 2 submissions from 2 submitters: Uncertain significance (2). Last evaluated 2025-06-08.

Conditions:
Hereditary cancer-predisposing syndrome. Also called: Tumor predisposition; Neoplastic Syndromes, Hereditary; Hereditary Cancer Syndrome; Hereditary neoplastic syndrome. Identifiers: Orphanet 140162, MedGen C0027672, MeSH D009386, MONDO:0015356.

gnomAD v4.1: 2 of 1,607,288 alleles (0.00012%); highest among the groups gnomAD compares: Admixed American, 0.0033%; no homozygotes.

Submissions (2):

Labcorp Genetics (formerly Invitae), Labcorp
Classification: Uncertain significance. Last evaluated: 2025-06-08. Review status: criteria provided, single submitter. Criteria: Invitae Variant Classification Sherloc (09022015). Collection method: clinical testing. Allele origin: germline.
Comment: This sequence change replaces methionine, which is neutral and non-polar, with leucine, which is neutral and non-polar, at codon 535 of the MSH3 protein (p.Met535Leu). This variant is present in population databases (no rsID available, gnomAD 0.003%). This variant has not been reported in the literature in individuals affected with MSH3-related conditions. ClinVar contains an entry for this variant (Variation ID: 3874967). An algorithm developed to predict the effect of missense changes on protein structure and function (PolyPhen-2) suggests that this variant is likely to be tolerated. In summary, the available evidence is currently insufficient to determine the role of this variant in disease. Therefore, it has been classified as a Variant of Uncertain Significance.

Ambry Genetics
Classification: Uncertain significance for Hereditary cancer-predisposing syndrome. Last evaluated: 2025-01-22. Review status: criteria provided, single submitter. Criteria: Ambry Variant Classification Scheme 2023. Collection method: clinical testing. Allele origin: germline.
Comment: The p.M535L variant (also known as c.1603A>C), located in coding exon 11 of the MSH3 gene, results from an A to C substitution at nucleotide position 1603. The methionine at codon 535 is replaced by leucine, an amino acid with highly similar properties. This amino acid position is well conserved in available vertebrate species. In addition, this alteration is predicted to be tolerated by in silico analysis. Based on the available evidence, the clinical significance of this variant remains unclear.